The following is an entry in ClinVar:

NM_000486.6(AQP2):c.643G>A (p.Gly215Ser)

Genes: AQP5-AS1 (AQP5 and AQP2 antisense RNA 2; minus strand), AQP2 (aquaporin 2; plus strand). Cytogenetic location: 12q13.12.
Variant type: single nucleotide variant.
Coding change: c.643G>A on transcript NM_000486.6 (MANE Select); coding-DNA position 643, G replaced by A.
Protein change: p.Gly215Ser; replaces glycine 215 with serine.
Molecular consequence: missense variant.
Genome position (GRCh38, 1-based): chr12:49,955,435, G>A. VCF-style: chr12-49955435-G-A. GRCh37 (hg19) VCF-style: chr12-50349218-G-A.
Other names: short protein forms G215S.
Identifiers: ClinVar variation 4818431 (VCV004818431.1).

ClinVar aggregate classification (germline): Likely pathogenic (1 of 4 stars; one submission).

Conditions:
Nephrogenic diabetes insipidus. Identifiers: Orphanet 223, MedGen C0162283, MONDO:0016383, HP:0009806.

Submission:

Natera, Inc.
Classification: Likely pathogenic for Nephrogenic diabetes insipidus. Last evaluated: 2025-12-23. Review status: criteria provided, single submitter. Criteria: Natera Variant Classification Schema (03/2026). Collection method: clinical testing. Allele origin: germline.
Comment: The c.643G>A variant in AQP2 is a missense variant predicted to cause substitution of glycine to serine at amino acid 215. This variant is rare in the general population with a frequency below the threshold expected for the associated phenotype(s). This variant has been observed in one or more individuals affected with the associated recessive disease, as either homozygous or compound heterozygous with a second variant (PMID: 26064258). Functional studies show that this variant may disrupt protein function (PMID: 34512542). A different variant at the same position has been determined to be Pathogenic or Likely Pathogenic. Computational prediction algorithms indicate this variant is likely to affect gene or protein function. Given the available evidence, this variant is classified as Likely Pathogenic.

Literature cited by the submitters: PubMed 26064258; PubMed 34512542.